The following is an entry in ClinVar:

NM_001005361.3(DNM2):c.2328C>G (p.His776Gln)

Gene: DNM2 (dynamin 2; plus strand). Cytogenetic location: 19p13.2.
Variant type: single nucleotide variant.
Coding change: c.2328C>G on transcript NM_001005361.3 (MANE Select); coding-DNA position 2328, C replaced by G.
Protein change: p.His776Gln; replaces histidine 776 with glutamine.
Molecular consequence: missense variant.
Genome position (GRCh38, 1-based): chr19:10,830,163, C>G. VCF-style: chr19-10830163-C-G. GRCh37 (hg19) VCF-style: chr19-10940839-C-G.
Other names: p.His776Gln; c.2328C>G (NM_001005360.2); c.2328C>G, p.His776Gln (NM_001005360.3, NM_001190716.2); c.2316C>G, p.His772Gln (NM_001005362.3, NM_004945.4); short protein forms H776Q, H772Q.
Identifiers: ClinVar variation 1467741 (VCV001467741.9), dbSNP rs766387630, ClinGen allele CA9201593.

ClinVar aggregate classification (germline): Uncertain significance. Review status: criteria provided, multiple submitters, no conflicts (2 of 4 stars). 2 submissions from 2 submitters: Uncertain significance (2). Last evaluated 2024-06-06.

Conditions:
Charcot-Marie-Tooth disease dominant intermediate B (CMTDIB). Also called: Charcot-Marie-Tooth disease dominant intermediate 1; CMT DI1; Charcot-Marie-Tooth disease dominant intermediate I; CHARCOT-MARIE-TOOTH NEUROPATHY, DOMINANT INTERMEDIATE B. Identifiers: Orphanet 100044, Orphanet 228179, MedGen C1847902, MONDO:0011674, OMIM 606482.

Allele frequency attached by ClinVar (database versions not stated): ExAC 0.00002; gnomAD exomes 0.00002.
gnomAD v4.1: 4 of 1,613,706 alleles (0.00025%); highest among the groups gnomAD compares: South Asian, 0.0011%; no homozygotes.

Submissions (2):

Mayo Clinic Laboratories, Mayo Clinic
Classification: Uncertain significance. Last evaluated: 2024-06-06. Review status: criteria provided, single submitter. Criteria: ACMG Guidelines, 2015. Collection method: clinical testing. Allele origin: germline. Observed: 1 variant allele.
Comment: BP4

Labcorp Genetics (formerly Invitae), Labcorp
Classification: Uncertain significance for Charcot-Marie-Tooth disease dominant intermediate B. Last evaluated: 2023-06-29. Review status: criteria provided, single submitter. Criteria: Invitae Variant Classification Sherloc (09022015). Collection method: clinical testing. Allele origin: germline.
Comment: This variant is present in population databases (rs766387630, gnomAD 0.004%). In summary, the available evidence is currently insufficient to determine the role of this variant in disease. Therefore, it has been classified as a Variant of Uncertain Significance. Advanced modeling of protein sequence and biophysical properties (such as structural, functional, and spatial information, amino acid conservation, physicochemical variation, residue mobility, and thermodynamic stability) has been performed at Invitae for this missense variant, however the output from this modeling did not meet the statistical confidence thresholds required to predict the impact of this variant on DNM2 protein function. ClinVar contains an entry for this variant (Variation ID: 1467741). This variant has not been reported in the literature in individuals affected with DNM2-related conditions. This sequence change replaces histidine, which is basic and polar, with glutamine, which is neutral and polar, at codon 776 of the DNM2 protein (p.His776Gln).